The following is an entry in ClinVar:

NM_001174147.2(LMX1B):c.*1997G>A

Gene: LMX1B (LIM homeobox transcription factor 1 beta; plus strand). Cytogenetic location: 9q33.3.
Variant type: single nucleotide variant.
Coding change: c.*1997G>A on transcript NM_001174147.2 (MANE Select); 1997 bases downstream of the stop codon, G replaced by A.
Molecular consequence: 3 prime UTR variant.
Genome position (GRCh38, 1-based): chr9:126,698,448, G>A. VCF-style: chr9-126698448-G-A. GRCh37 (hg19) VCF-style: chr9-129460727-G-A.
Other names: NC_000009.11:g.129460727G>A; c.*1997G>A (NM_001174146.2, NM_002316.4).
Identifiers: ClinVar variation 364949 (VCV000364949.7), dbSNP rs35632228, ClinGen allele CA10632464.
Genomic context (GRCh38, chr9:126,698,448, plus strand): 5'-CCATTAATGCATCCTCTTTGGGGGACACATTCCAATTGCATTTCCTGCCCCCTTCTCCCA[G>A]GGCAATTGCAGAAGATTGTGTCAGGCGCCCTGCTGGAAGTCAGGTGCACTAGATCCATCC-3'

ClinVar aggregate classification (germline): Benign. Review status: criteria provided, multiple submitters, no conflicts (2 of 4 stars). 2 submissions from 2 submitters: Benign (2). Last evaluated 2018-01-13.

Conditions:
Nail-patella syndrome (NPS). Also called: FONG DISEASE; ONYCHOOSTEODYSPLASIA; TURNER-KIESER SYNDROME. Identifiers: Orphanet 2614, MedGen C0027341, MONDO:0008061, OMIM 161200.

Allele frequency attached by ClinVar (database versions not stated): gnomAD 0.15112 and 0.15118; TOPMed 0.16030; 1000 Genomes Project 30x 0.19425; 1000 Genomes Project 0.19529.

Submissions (12):

Illumina Laboratory Services, Illumina
Classification: Benign for Nail-patella syndrome. Last evaluated: 2018-01-13. Review status: criteria provided, single submitter. Criteria: ICSL Variant Classification Criteria 13 December 2019. Collection method: clinical testing. Allele origin: germline.
Comment: This variant was observed in the ICSL laboratory as part of a predisposition screen in an ostensibly healthy population. It had not been previously curated by ICSL or reported in the Human Gene Mutation Database (HGMD: prior to June 1st, 2018), and was therefore a candidate for classification through an automated scoring system. Utilizing variant allele frequency, disease prevalence and penetrance estimates, and inheritance mode, an automated score was calculated to assess if this variant is too frequent to cause the disease. Based on the score and internal cut-off values, a variant classified as benign is not then subjected to further curation. The score for this variant resulted in a classification of benign for this disease.

Breakthrough Genomics
Classification: Benign. Review status: criteria provided, single submitter. Criteria: ACMG Guidelines, 2015. Collection method: not provided. Allele origin: germline. Inheritance: Autosomal dominant inheritance. Affected: yes.

Dr. Peter K. Rogan Lab, Western University
No classification provided (evidence only). Condition: Uterine corpus endometrial carcinoma. Review status: no classification provided. Collection method: in vitro. Allele origin: not applicable. Functional consequence: retained intron. Not counted in ClinVar's aggregate classification.

Dr. Peter K. Rogan Lab, Western University
No classification provided (evidence only). Condition: Ovarian serous cystadenocarcinoma. Review status: no classification provided. Collection method: in vitro. Allele origin: not applicable. Functional consequence: retained intron. Not counted in ClinVar's aggregate classification.

Dr. Peter K. Rogan Lab, Western University
No classification provided (evidence only). Condition: Ovarian serous cystadenocarcinoma. Review status: no classification provided. Collection method: in vitro. Allele origin: not applicable. Functional consequence: retained intron. Not counted in ClinVar's aggregate classification.

Dr. Peter K. Rogan Lab, Western University
No classification provided (evidence only). Condition: Ovarian serous cystadenocarcinoma. Review status: no classification provided. Collection method: in vitro. Allele origin: not applicable. Functional consequence: retained intron. Not counted in ClinVar's aggregate classification.

Dr. Peter K. Rogan Lab, Western University
No classification provided (evidence only). Condition: Ovarian serous cystadenocarcinoma. Review status: no classification provided. Collection method: in vitro. Allele origin: not applicable. Functional consequence: retained intron. Not counted in ClinVar's aggregate classification.

Dr. Peter K. Rogan Lab, Western University
No classification provided (evidence only). Condition: Ovarian serous cystadenocarcinoma. Review status: no classification provided. Collection method: in vitro. Allele origin: not applicable. Functional consequence: retained intron. Not counted in ClinVar's aggregate classification.

Dr. Peter K. Rogan Lab, Western University
No classification provided (evidence only). Condition: Ovarian serous cystadenocarcinoma. Review status: no classification provided. Collection method: in vitro. Allele origin: not applicable. Functional consequence: retained intron. Not counted in ClinVar's aggregate classification.

Dr. Peter K. Rogan Lab, Western University
No classification provided (evidence only). Condition: Ovarian serous cystadenocarcinoma. Review status: no classification provided. Collection method: in vitro. Allele origin: not applicable. Functional consequence: retained intron. Not counted in ClinVar's aggregate classification.

Dr. Peter K. Rogan Lab, Western University
No classification provided (evidence only). Condition: Malignant tumor of esophagus. Review status: no classification provided. Collection method: in vitro. Allele origin: not applicable. Functional consequence: retained intron. Not counted in ClinVar's aggregate classification.

Dr. Peter K. Rogan Lab, Western University
No classification provided (evidence only). Condition: Malignant tumor of esophagus. Review status: no classification provided. Collection method: in vitro. Allele origin: not applicable. Functional consequence: retained intron. Not counted in ClinVar's aggregate classification.